The following is an entry in ClinVar:

NM_020975.6(RET):c.1880-5C>T

Gene: RET (ret proto-oncogene; plus strand). Cytogenetic location: 10q11.21.
Variant type: single nucleotide variant.
Coding change: c.1880-5C>T on transcript NM_020975.6 (MANE Select); 5 bases into the intron before coding-DNA position 1880, C replaced by T.
Molecular consequence: intron variant.
Genome position (GRCh38, 1-based): chr10:43,114,475, C>T. VCF-style: chr10-43114475-C-T. GRCh37 (hg19) VCF-style: chr10-43609923-C-T.
Other names: c.1484-5C>T (NM_001406769.1, NM_001406772.1); c.1442-5C>T (NM_001406773.1, NM_001406771.1); c.983-5C>T (NM_001406782.1, NM_001406780.1, NM_001406779.1 and 1 more transcripts); c.983-140C>T (NM_001406787.1); c.863-5C>T (NM_001406785.1); c.1751-5C>T (NM_001406764.1, NM_001406762.1, NM_001406761.1); c.1751-140C>T (NM_001406768.1); c.1355-5C>T (NM_001406774.1); and 10 more.
Identifiers: ClinVar variation 2083636 (VCV002083636.5), dbSNP rs1838016447, ClinGen allele CA2580081710.
Genomic context (GRCh38, chr10:43,114,475, plus strand): 5'-GCAGCCTGTACCCAGTGGTGCCGAGCCTCTGGCGGTGCCAAGCCTCACACCACCCCCACC[C>T]ACAGATCCACTGTGCGACGAGCTGTGCCGCACGGTGATCGCAGCCGCTGTCCTCTTCTCC-3'

ClinVar aggregate classification (germline): Conflicting classifications of pathogenicity. Review status: criteria provided, conflicting classifications (1 of 4 stars). 2 submissions from 2 submitters: Uncertain significance (1); Likely benign (1). Last evaluated 2024-10-19.

Conditions:
Hereditary cancer-predisposing syndrome. Also called: Tumor predisposition; Neoplastic Syndromes, Hereditary; Hereditary Cancer Syndrome; Hereditary neoplastic syndrome. Identifiers: Orphanet 140162, MedGen C0027672, MeSH D009386, MONDO:0015356.
Multiple endocrine neoplasia, type 2 (MEN2). Identifiers: Orphanet 653, MedGen C4048306, MONDO:0019003. Disease mechanism: gain of function.

Allele frequency attached by ClinVar (database versions not stated): gnomAD exomes below 0.00001.
gnomAD v4.1: 3 of 1,605,978 alleles (0.00019%); highest among the groups gnomAD compares: Non-Finnish European, 0.00025%; no homozygotes.

Submissions (2):

Ambry Genetics
Classification: Uncertain significance for Hereditary cancer-predisposing syndrome. Last evaluated: 2024-10-19. Review status: criteria provided, single submitter. Criteria: Ambry Variant Classification Scheme 2023. Collection method: clinical testing. Allele origin: germline.
Comment: The c.1880-5C>T intronic variant results from a C to T substitution 5 nucleotides upstream from coding exon 11 in the RET gene. This nucleotide position is not well conserved in available vertebrate species. In silico splice site analysis predicts that this alteration will not have any significant effect on splicing. Based on the available evidence, the clinical significance of this variant remains unclear.

Labcorp Genetics (formerly Invitae), Labcorp
Classification: Likely benign for Multiple endocrine neoplasia, type 2. Last evaluated: 2024-06-30. Review status: criteria provided, single submitter. Criteria: Invitae Variant Classification Sherloc (09022015). Collection method: clinical testing. Allele origin: germline.